The following is an entry in ClinVar:

NM_001130438.3(SPTAN1):c.6960-4C>T

Gene: SPTAN1 (spectrin alpha, non-erythrocytic 1; plus strand). Cytogenetic location: 9q34.11.
Variant type: single nucleotide variant.
Coding change: c.6960-4C>T on transcript NM_001130438.3 (MANE Select); 4 bases into the intron before coding-DNA position 6960, C replaced by T.
Molecular consequence: intron variant.
Genome position (GRCh38, 1-based): chr9:128,632,427, C>T. VCF-style: chr9-128632427-C-T. GRCh37 (hg19) VCF-style: chr9-131394706-C-T.
Other names: c.7059-4C>T (NM_001375318.1); c.6996-4C>T (NM_001375312.2); c.6960-4C>T (NM_001375311.2); c.6900-4C>T (NM_001375314.2, NM_001363765.2); c.7047-4C>T (NM_001375310.1); c.7023-4C>T (NM_001363759.2); c.6942-4C>T (NM_001375313.1); c.6945-4C>T (NM_003127.4); and 1 more.
Identifiers: ClinVar variation 3057540 (VCV003057540.2), dbSNP rs1859909399, ClinGen allele CA1129343440.

ClinVar aggregate classification (germline): Likely benign (0 of 4 stars; one submission).

Conditions:
SPTAN1-related disorder. Also called: SPTAN1-related disorders; SPTAN1-related condition.

Allele frequency attached by ClinVar (database versions not stated): gnomAD exomes below 0.00001; TOPMed below 0.00001; gnomAD 0.00001.
gnomAD v4.1: 3 of 1,614,002 alleles (0.00019%); highest among the groups gnomAD compares: Non-Finnish European, 0.00025%; no homozygotes.

Submission:

PreventionGenetics, part of Exact Sciences
Classification: Likely benign for SPTAN1-related condition. Last evaluated: 2024-03-05. Review status: no assertion criteria provided. Collection method: clinical testing. Allele origin: germline.
Comment: This variant is classified as likely benign based on ACMG/AMP sequence variant interpretation guidelines (Richards et al. 2015 PMID: 25741868, with internal and published modifications).